The following is an entry in ClinVar:

ClinVar aggregate classification (germline): Uncertain significance. Review status: criteria provided, multiple submitters, no conflicts (2 of 4 stars). 5 submissions from 5 submitters: Uncertain significance (5). Last evaluated 2026-09-05.

Conditions:
Cardiovascular phenotype. Identifiers: MedGen CN230736.
TTN-related disorder. Also called: TTN-related condition; TTN-related disease; TTN-related disorders.

Allele frequency attached by ClinVar (database versions not stated): TOPMed 0.00002; ExAC 0.00006; gnomAD exomes 0.00006 and 0.00001; gnomAD 0.00001.
gnomAD v4.1: 21 of 1,613,246 alleles (0.0013%); highest among the groups gnomAD compares: Admixed American, 0.023%; no homozygotes.

Submissions (5):

PreventionGenetics, part of Exact Sciences
Classification: Uncertain significance for TTN-related condition. Last evaluated: 2026-09-05. Review status: criteria provided, single submitter. Criteria: ACMG Guidelines, 2015. Collection method: clinical testing. Allele origin: germline.
Comment: The TTN c.69337C>T variant is predicted to result in the amino acid substitution p.Arg23113Trp. To our knowledge, this variant has not been reported in the literature. This variant is reported in 0.038% of alleles in individuals of Latino descent in gnomAD. At this time, the clinical significance of this variant is uncertain due to the absence of conclusive functional and genetic evidence.

Athena Diagnostics
Classification: Uncertain significance. Last evaluated: 2021-07-17. Review status: criteria provided, single submitter. Criteria: Athena Diagnostics Criteria. Collection method: clinical testing. Allele origin: unknown.

Revvity Omics, Revvity
Classification: Uncertain significance. Last evaluated: 2019-05-21. Review status: criteria provided, single submitter. Criteria: ACMG Guidelines, 2015. Collection method: clinical testing. Allele origin: germline.

Eurofins Ntd Llc (ga)
Classification: Uncertain significance. Last evaluated: 2018-04-27. Review status: criteria provided, single submitter. Criteria: EGL ClinVar v180209 classification definitions. Collection method: clinical testing. Allele origin: germline. Observed: 2 variant alleles, 2 heterozygotes.

Ambry Genetics
Classification: Uncertain significance for Cardiovascular phenotype. Last evaluated: 2017-11-20. Review status: criteria provided, single submitter. Criteria: Ambry Variant Classification Scheme 2023. Collection method: clinical testing. Allele origin: germline.
Comment: The p.R14048W variant (also known as c.42142C>T), located in coding exon 151 of the TTN gene, results from a C to T substitution at nucleotide position 42142. The arginine at codon 14048 is replaced by tryptophan, an amino acid with dissimilar properties. This amino acid position is highly conserved in available vertebrate species. In addition, the in silico prediction for this alteration is inconclusive. Since supporting evidence is limited at this time, the clinical significance of this alteration remains unclear.

NM_001267550.2(TTN):c.69337C>T (p.Arg23113Trp)

Genes: TTN (titin; minus strand), TTN-AS1 (TTN antisense RNA 1; plus strand). Cytogenetic location: 2q31.2.
Variant type: single nucleotide variant.
Coding change: c.69337C>T on transcript NM_001267550.2 (MANE Select); coding-DNA position 69337, C replaced by T.
Protein change: p.Arg23113Trp; replaces arginine 23113 with tryptophan.
Molecular consequence: missense variant.
Genome position (GRCh38, 1-based): chr2:178,576,998, G>A on the plus strand (C>T on the coding strand, the complement: TTN is on the minus strand). VCF-style: chr2-178576998-G-A. GRCh37 (hg19) VCF-style: chr2-179441725-G-A.
Other names: c.64414C>T, p.Arg21472Trp (NM_001256850.1); c.42142C>T, p.Arg14048Trp (NM_003319.4); c.61633C>T, p.Arg20545Trp (NM_133378.4); c.42517C>T, p.Arg14173Trp (NM_133432.3); c.42718C>T, p.Arg14240Trp (NM_133437.4); c.69337C>T (NM_001267550.1); short protein forms R14048W, R23113W, R20545W, R14240W, R14173W, R21472W.
Identifiers: ClinVar variation 518747 (VCV000518747.14), dbSNP rs749409444, ClinGen allele CA1990951.
Genomic context (GRCh38, chr2:178,576,998, plus strand): 5'-TTTTGACAGGTTCAGACTGTACAGGTTCTCCTTTGCCATAGTGGTTTACAGCTGAGACCC[G>A]GAAGATGTACTCATTTCCTTGGATAAGTTTGGTTGCCACATGCCTGCAAGACTGAATATC-3'
Protein context (NP_001254479.2, residues 23103-23123): KLIQGNEYIF[Arg23113Trp]VSAVNHYGKG